The following is an entry in ClinVar:

ClinVar aggregate classification (germline): Pathogenic/Likely pathogenic. Review status: criteria provided, multiple submitters, no conflicts (2 of 4 stars). 3 submissions from 3 submitters: Pathogenic (2); Likely pathogenic (1). Last evaluated 2024-02-24.

Conditions:
Deficiency of alpha-mannosidase (MANSA). Also called: Mannosidosis, alpha-, types I and II; Alpha-Mannosidosis; LYSOSOMAL ALPHA-D-MANNOSIDASE DEFICIENCY. Identifiers: Orphanet 61, MedGen C0024748, MONDO:0009561, OMIM 248500.

Allele frequency attached by ClinVar (database versions not stated): TOPMed 0.00001.
gnomAD v4.1: 2 of 1,614,102 alleles (0.00012%); no homozygotes.

Submissions (3):

Natera, Inc.
Classification: Likely pathogenic for Alpha-mannosidosis. Last evaluated: 2024-02-24. Review status: criteria provided, single submitter. Criteria: Natera Variant Classification Schema (03/2026). Collection method: clinical testing. Allele origin: germline.
Comment: The c.2887G>T variant in MAN2B1 is a nonsense variant predicted to introduce a stop codon at amino acid 963. This variant is expected to result in nonsense mediated decay, truncation, or a dysfunctional protein product. This variant is rare in the general population with a frequency below the threshold expected for the associated phenotype(s). Given the available evidence, this variant is classified as Likely Pathogenic.

Labcorp Genetics (formerly Invitae), Labcorp
Classification: Pathogenic for Deficiency of alpha-mannosidase. Last evaluated: 2023-06-14. Review status: criteria provided, single submitter. Criteria: Invitae Variant Classification Sherloc (09022015). Collection method: clinical testing. Allele origin: germline.
Comment: This variant has not been reported in the literature in individuals affected with MAN2B1-related conditions. For these reasons, this variant has been classified as Pathogenic. This variant disrupts a region of the MAN2B1 protein in which other variant(s) (p.Thr974Argfs*) have been determined to be pathogenic (PMID: 22161967). This suggests that this is a clinically significant region of the protein, and that variants that disrupt it are likely to be disease-causing. ClinVar contains an entry for this variant (Variation ID: 962313). This variant is not present in population databases (gnomAD no frequency). This sequence change creates a premature translational stop signal (p.Glu963*) in the MAN2B1 gene. While this is not anticipated to result in nonsense mediated decay, it is expected to disrupt the last 49 amino acid(s) of the MAN2B1 protein.

Genome-Nilou Lab
Classification: Pathogenic for Deficiency of alpha-mannosidase. Last evaluated: 2021-09-05. Review status: criteria provided, single submitter. Criteria: ACMG Guidelines, 2015. Collection method: clinical testing. Allele origin: germline. Affected: no.

Literature cited by the submitters: PubMed 22161967 (cited by Labcorp Genetics (formerly Invitae), Labcorp).

NM_000528.4(MAN2B1):c.2887G>T (p.Glu963Ter)

Gene: MAN2B1 (mannosidase alpha class 2B member 1; minus strand). Cytogenetic location: 19p13.13.
Variant type: single nucleotide variant.
Coding change: c.2887G>T on transcript NM_000528.4 (MANE Select); coding-DNA position 2887, G replaced by T.
Protein change: p.Glu963Ter; replaces glutamic acid 963 with a stop codon.
Molecular consequence: nonsense.
Genome position (GRCh38, 1-based): chr19:12,647,269, C>A on the plus strand (G>T on the coding strand, the complement: MAN2B1 is on the minus strand). VCF-style: chr19-12647269-C-A. GRCh37 (hg19) VCF-style: chr19-12758083-C-A.
Other names: c.2884G>T, p.Glu962Ter (NM_001173498.2); short protein forms E963*, E962*.
Identifiers: ClinVar variation 962313 (VCV000962313.11), dbSNP rs757072948, ClinGen allele CA404237314.
Genomic context (GRCh38, chr19:12,647,269, plus strand): 5'-CCCTACCCCTGACCAGGGCCCCACCTGTGTTTGTTGTCCACTTGAGCCTGGAGGCTGCCT[C>A]GCGGAGCTGGTTGGCCACCAGCGTGGTCTCCTGCAGGCGGGTGATGGTGAAGGTGGAGAA-3'